The following is an entry in ClinVar:

ClinVar aggregate classification (germline): Benign (0 of 4 stars; one submission).

Conditions:
KALRN-related disorder. Also called: KALRN-related condition.

Allele frequency attached by ClinVar (database versions not stated): ExAC 0.16323; 1000 Genomes Project 30x 0.18832; 1000 Genomes Project 0.19728; ESP Exome Variant Server 0.08473; TOPMed 0.12151; gnomAD 0.12290; gnomAD exomes 0.13330.
gnomAD v4.1: 212,460 of 1,607,274 alleles (13%); highest among the groups gnomAD compares: East Asian, 53%; 19,812 homozygotes.

Submission:

PreventionGenetics, part of Exact Sciences
Classification: Benign for KALRN-related condition. Last evaluated: 2019-10-21. Review status: no assertion criteria provided. Collection method: clinical testing. Allele origin: germline.
Comment: This variant is classified as benign based on ACMG/AMP sequence variant interpretation guidelines (Richards et al. 2015 PMID: 25741868, with internal and published modifications).

NM_001388419.1(KALRN):c.4104A>T (p.Ala1368=)

Gene: KALRN (kalirin RhoGEF kinase; plus strand). Cytogenetic location: 3q21.2.
Variant type: single nucleotide variant.
Coding change: c.4104A>T on transcript NM_001388419.1 (MANE Select); coding-DNA position 4104, A replaced by T.
Protein change: p.Ala1368=; no amino-acid change (alanine 1368 retained).
Molecular consequence: synonymous variant. On other transcripts: non-coding transcript variant (2).
Genome position (GRCh38, 1-based): chr3:124,477,247, A>T. VCF-style: chr3-124477247-A-T. GRCh37 (hg19) VCF-style: chr3-124196094-A-T.
Other names: c.4098A>T, p.Ala1366= (NM_001024660.5, NM_001322988.2, NM_003947.6); c.4071A>T, p.Ala1357= (NM_001322989.2); c.4059A>T, p.Ala1353= (NM_001322990.2); c.4032A>T, p.Ala1344= (NM_001322991.2); c.3948A>T, p.Ala1316= (NM_001322992.2); c.2175A>T, p.Ala725= (NM_001388412.1, NM_001388413.1); c.2148A>T, p.Ala716= (NM_001388414.1); c.2136A>T, p.Ala712= (NM_001388415.1); and 3 more.
Identifiers: ClinVar variation 3060446 (VCV003060446.2), dbSNP rs2289843, ClinGen allele CA2579970.